The following is an entry in ClinVar:

ClinVar aggregate classification (germline): Pathogenic (1 of 4 stars; one submission).

Conditions:
Jeune thoracic dystrophy. Also called: Short-rib thoracic dysplasia; Jeune syndrome; Infantile thoracic dystrophy; Thoracic pelvic phalangeal dystrophy; Jeune's syndrome; Chondroectodermal dysplasia-like syndrome. Identifiers: Orphanet 474, MedGen C0265275, MONDO:0018770.

gnomAD v4.1: 3 of 1,612,518 alleles (0.00019%); highest among the groups gnomAD compares: Non-Finnish European, 0.00025%; no homozygotes.

Submission:

Labcorp Genetics (formerly Invitae), Labcorp
Classification: Pathogenic for Jeune thoracic dystrophy. Last evaluated: 2024-01-03. Review status: criteria provided, single submitter. Criteria: Invitae Variant Classification Sherloc (09022015). Collection method: clinical testing. Allele origin: germline.
Comment: This sequence change creates a premature translational stop signal (p.Arg2237*) in the DYNC2H1 gene. It is expected to result in an absent or disrupted protein product. Loss-of-function variants in DYNC2H1 are known to be pathogenic (PMID: 23339108, 32753734, 33755199). The frequency data for this variant in the population databases is considered unreliable, as metrics indicate poor data quality at this position in the gnomAD database. This variant has not been reported in the literature in individuals affected with DYNC2H1-related conditions. For these reasons, this variant has been classified as Pathogenic.

Literature cited by the submitters: PubMed 23339108; PubMed 32753734; PubMed 33755199.

NM_001377.3(DYNC2H1):c.6709C>T (p.Arg2237Ter)

Gene: DYNC2H1 (dynein cytoplasmic 2 heavy chain 1; plus strand). Cytogenetic location: 11q22.3.
Variant type: single nucleotide variant.
Coding change: c.6709C>T on transcript NM_001377.3 (MANE Select); coding-DNA position 6709, C replaced by T.
Protein change: p.Arg2237Ter; replaces arginine 2237 with a stop codon.
Molecular consequence: nonsense.
Genome position (GRCh38, 1-based): chr11:103,186,317, C>T. VCF-style: chr11-103186317-C-T. GRCh37 (hg19) VCF-style: chr11-103057046-C-T.
Other names: c.6709C>T, p.Arg2237Ter (NM_001080463.2); short protein forms R2237*.
Identifiers: ClinVar variation 2791136 (VCV002791136.3), dbSNP rs763241302, ClinGen allele CA6254051.